The following is an entry in ClinVar:

ClinVar aggregate classification (germline): Conflicting classifications of pathogenicity. Review status: criteria provided, conflicting classifications (1 of 4 stars). 5 submissions from 5 submitters: Uncertain significance (1); Likely benign (4). Last evaluated 2026-02-01.

Conditions:
Inborn genetic diseases. Identifiers: MedGen C0950123, MeSH D030342.
Seckel syndrome 1 (SCKL1). Also called: MICROCEPHALIC PRIMORDIAL DWARFISM I. Identifiers: Orphanet 808, MedGen C4551474, MONDO:0008869, OMIM 210600.

Allele frequency attached by ClinVar (database versions not stated): ESP Exome Variant Server 0.00023; ExAC 0.00030; 1000 Genomes Project 30x 0.00031; gnomAD exomes 0.00037; gnomAD 0.00039; 1000 Genomes Project 0.00040; TOPMed 0.00044.
gnomAD v4.1: 975 of 1,614,174 alleles (0.06%); highest among the groups gnomAD compares: Non-Finnish European, 0.076%; no homozygotes.

Submissions (5):

CeGaT Center for Human Genetics Tuebingen
Classification: Likely benign. Last evaluated: 2026-02-01. Review status: criteria provided, single submitter. Criteria: CeGaT Center For Human Genetics Tuebingen Variant Classification Criteria Version 2. Collection method: clinical testing. Allele origin: germline. Affected: yes. Observed: 9 variant alleles.
Comment: ATR: BP4, BP7

Labcorp Genetics (formerly Invitae), Labcorp
Classification: Likely benign. Last evaluated: 2025-12-24. Review status: criteria provided, single submitter. Criteria: Invitae Variant Classification Sherloc (09022015). Collection method: clinical testing. Allele origin: germline.

Blueprint Genetics
Classification: Likely benign. Last evaluated: 2024-11-25. Review status: criteria provided, single submitter. Criteria: ACMG Guidelines, 2015. Collection method: clinical testing. Allele origin: germline.

Ambry Genetics
Classification: Likely benign for Inborn genetic diseases. Last evaluated: 2022-02-15. Review status: criteria provided, single submitter. Criteria: Ambry Variant Classification Scheme 2023. Collection method: clinical testing. Allele origin: germline.

Illumina Laboratory Services, Illumina
Classification: Uncertain significance for Seckel syndrome 1. Last evaluated: 2018-01-13. Review status: criteria provided, single submitter. Criteria: ICSL Variant Classification Criteria 13 December 2019. Collection method: clinical testing. Allele origin: germline.

NM_001184.4(ATR):c.4323A>G (p.Gln1441=)

Gene: ATR (ATR checkpoint kinase; minus strand). Cytogenetic location: 3q23.
Variant type: single nucleotide variant.
Coding change: c.4323A>G on transcript NM_001184.4 (MANE Select); coding-DNA position 4323, A replaced by G.
Protein change: p.Gln1441=; no amino-acid change (glutamine 1441 retained).
Molecular consequence: synonymous variant.
Genome position (GRCh38, 1-based): chr3:142,519,728, T>C on the plus strand (A>G on the coding strand, the complement: ATR is on the minus strand). VCF-style: chr3-142519728-T-C. GRCh37 (hg19) VCF-style: chr3-142238570-T-C.
Other names: c.4131A>G, p.Gln1377= (NM_001354579.2).
Identifiers: ClinVar variation 343606 (VCV000343606.42), dbSNP rs56100509, ClinGen allele CA2649878.